The following is an entry in ClinVar:

NM_007074.4(CORO1A):c.1007+13C>T

Gene: CORO1A (coronin 1A; plus strand). Cytogenetic location: 16p11.2.
Variant type: single nucleotide variant.
Coding change: c.1007+13C>T on transcript NM_007074.4 (MANE Select); 13 bases into the intron after coding-DNA position 1007, C replaced by T.
Molecular consequence: intron variant.
Genome position (GRCh38, 1-based): chr16:30,188,100, C>T. VCF-style: chr16-30188100-C-T. GRCh37 (hg19) VCF-style: chr16-30199421-C-T.
Other names: c.1007+13C>T (NM_001193333.3).
Identifiers: ClinVar variation 513589 (VCV000513589.10), dbSNP rs201613058, ClinGen allele CA8003333.

ClinVar aggregate classification (germline): Likely benign. Review status: criteria provided, multiple submitters, no conflicts (2 of 4 stars). 2 submissions from 2 submitters: Likely benign (2). Last evaluated 2026-01-27.

Conditions:
Severe combined immunodeficiency due to CORO1A deficiency. Also called: IMMUNODEFICIENCY 8 WITH LYMPHOPROLIFERATION; Immunodeficiency 8. Identifiers: Orphanet 228003, MedGen C3809383, MONDO:0014168, OMIM 615401.

Allele frequency attached by ClinVar (database versions not stated): TOPMed 0.00003; gnomAD 0.00004 and 0.00005; 1000 Genomes Project 30x 0.00047; 1000 Genomes Project 0.00060.

Submissions (2):

Labcorp Genetics (formerly Invitae), Labcorp
Classification: Likely benign for Severe combined immunodeficiency due to CORO1A deficiency. Last evaluated: 2026-01-27. Review status: criteria provided, single submitter. Criteria: Invitae Variant Classification Sherloc (09022015). Collection method: clinical testing. Allele origin: germline.

GeneDx
Classification: Likely benign. Last evaluated: 2017-11-27. Review status: criteria provided, single submitter. Criteria: GeneDx Variant Classification (06012015). Collection method: clinical testing. Allele origin: germline. Affected: yes.
Comment: This variant is considered likely benign or benign based on one or more of the following criteria: it is a conservative change, it occurs at a poorly conserved position in the protein, it is predicted to be benign by multiple in silico algorithms, and/or has population frequency not consistent with disease.